The following is an entry in ClinVar:

ClinVar aggregate classification (germline): Likely benign (1 of 4 stars; one submission).

Submission:

Women's Health and Genetics/Laboratory Corporation of America, LabCorp
Classification: Likely benign. Last evaluated: 2023-01-23. Review status: criteria provided, single submitter. Criteria: LabCorp Variant Classification Summary - May 2015. Collection method: clinical testing. Allele origin: germline.
Comment: Variant summary: ACTC1 c.809-16delT alters a nucleotide located close to a canonical splice site and therefore could affect mRNA splicing, leading to a significantly altered protein sequence. 4/4 computational tools predict no significant impact on normal splicing. However, these predictions have yet to be confirmed by functional studies. The variant was absent in 155194 control chromosomes (gnomAD). However, other variants around this variant are highly frequency in controls (ex. c.809-16_809-13 with 0.1453 allele frequency in controls and included 303 homozygotes), strongly suggesting that the variant is a benign polymorphism. The available data on variant occurrences in the general population are insufficient to allow any conclusion about variant significance. To our knowledge, no occurrence of c.809-16delT in individuals affected with Cardiomyopathy and no experimental evidence demonstrating its impact on protein function have been reported. No clinical diagnostic laboratories have submitted clinical-significance assessments for this variant to ClinVar after 2014. Based on the evidence outlined above, the variant was classified as likely benign.

NM_005159.5(ACTC1):c.809-16del

Genes: ACTC1 (actin alpha cardiac muscle 1; minus strand), GJD2-DT (GJD2 divergent transcript; plus strand). Cytogenetic location: 15q14.
Variant type: Deletion.
Coding change: c.809-16del on transcript NM_005159.5 (MANE Select); 16 bases into the intron before coding-DNA position 809, one base deleted (T; older notation c.809-16delT).
Molecular consequence: intron variant.
Genome position (GRCh38, 1-based): chr15:34,791,311, A deleted on the plus strand (T on the coding strand, the reverse complement: ACTC1 is on the minus strand). VCF-style (leftmost placement, unchanged base first): chr15-34791310-CA-C. GRCh37 (hg19) VCF-style: chr15-35083511-CA-C.
Identifiers: ClinVar variation 2429209 (VCV002429209.3), dbSNP rs2504177916, ClinGen allele CA2499307046.
Genomic context (GRCh38, chr15:34,791,310, plus strand): 5'-ATGATGCTATTGTAAGTTGTTTCATGGATGCCAGCAGATTCCATACCTGGGAACGAGTCA[CA>C]CACACACACACACACACACACACACACACACACACACACACATCACAGTGCATTCAGGTC-3'